The following is an entry in ClinVar:

NM_033641.4(COL4A6):c.4892C>T (p.Pro1631Leu)

Gene: COL4A6 (collagen type IV alpha 6 chain; minus strand). Cytogenetic location: Xq22.3.
Variant type: single nucleotide variant.
Coding change: c.4892C>T on transcript NM_033641.4 (MANE Select); coding-DNA position 4892, C replaced by T.
Protein change: p.Pro1631Leu; replaces proline 1631 with leucine.
Molecular consequence: missense variant.
Genome position (GRCh38, 1-based): chrX:108,157,181, G>A on the plus strand (C>T on the coding strand, the complement: COL4A6 is on the minus strand). VCF-style: chrX-108157181-G-A. GRCh37 (hg19) VCF-style: chrX-107400411-G-A.
Other names: c.4943C>T, p.Pro1648Leu (NM_001287758.2); c.4820C>T, p.Pro1607Leu (NM_001287759.2); c.4721C>T, p.Pro1574Leu (NM_001287760.2); c.4895C>T, p.Pro1632Leu (NM_001847.4); short protein forms P1631L, P1632L, P1648L, P1574L, P1607L.
Identifiers: ClinVar variation 3690303 (VCV003690303.2).
Genomic context (GRCh38, chrX:108,157,181, plus strand): 5'-AAACTGTACTTGTTTGCAAAGTAGTGGCAGGTGCCTCGGGCACCACTGCATTCGATGAAA[G>A]GAGTGGCCCGAAAGTCCTCTAGGCAGGAGCCAGGTGAGACCAGGGACTGGCCTCCACCCT-3'
Protein context (NP_378667.1, residues 1621-1641): GSCLEDFRAT[Pro1631Leu]FIECSGARGT

ClinVar aggregate classification (germline): Uncertain significance (1 of 4 stars; one submission).

gnomAD v4.1: 64 of 1,210,455 alleles (0.0053%); highest among the groups gnomAD compares: Non-Finnish European, 0.005%; no homozygotes.

Submission:

Labcorp Genetics (formerly Invitae), Labcorp
Classification: Uncertain significance. Last evaluated: 2024-08-28. Review status: criteria provided, single submitter. Criteria: Invitae Variant Classification Sherloc (09022015). Collection method: clinical testing. Allele origin: germline.
Comment: This sequence change replaces proline, which is neutral and non-polar, with leucine, which is neutral and non-polar, at codon 1632 of the COL4A6 protein (p.Pro1632Leu). This variant is present in population databases (rs759799172, gnomAD 0.04%). This variant has not been reported in the literature in individuals affected with COL4A6-related conditions. Invitae Evidence Modeling of protein sequence and biophysical properties (such as structural, functional, and spatial information, amino acid conservation, physicochemical variation, residue mobility, and thermodynamic stability) indicates that this missense variant is expected to disrupt COL4A6 protein function with a positive predictive value of 80%. In summary, the available evidence is currently insufficient to determine the role of this variant in disease. Therefore, it has been classified as a Variant of Uncertain Significance.